The following is an entry in ClinVar:

ClinVar aggregate classification (germline): Uncertain significance (1 of 4 stars; one submission).

Allele frequency attached by ClinVar (database versions not stated): gnomAD exomes below 0.00001; ExAC 0.00001.
gnomAD v4.1: 1 of 1,613,906 alleles (0.000062%); highest among the groups gnomAD compares: Admixed American, 0.0017%; no homozygotes.

Submission:

Labcorp Genetics (formerly Invitae), Labcorp
Classification: Uncertain significance. Last evaluated: 2020-08-30. Review status: criteria provided, single submitter. Criteria: Invitae Variant Classification Sherloc (09022015). Collection method: clinical testing. Allele origin: germline.
Comment: In summary, the available evidence is currently insufficient to determine the role of this variant in disease. Therefore, it has been classified as a Variant of Uncertain Significance. Algorithms developed to predict the effect of sequence changes on RNA splicing suggest that this variant is not likely to affect RNA splicing, but this prediction has not been confirmed by published transcriptional studies. This variant has not been reported in the literature in individuals with MTOR-related conditions. This variant is present in population databases (rs764759848, ExAC 0.009%). This sequence change affects codon 1749 of the MTOR mRNA. It is a 'silent' change, meaning that it does not change the encoded amino acid sequence of the MTOR protein.

NM_004958.4(MTOR):c.5247A>T (p.Arg1749=)

Gene: MTOR (mechanistic target of rapamycin kinase; minus strand). Cytogenetic location: 1p36.22.
Variant type: single nucleotide variant.
Coding change: c.5247A>T on transcript NM_004958.4 (MANE Select); coding-DNA position 5247, A replaced by T.
Protein change: p.Arg1749=; no amino-acid change (arginine 1749 retained).
Molecular consequence: synonymous variant.
Genome position (GRCh38, 1-based): chr1:11,133,197, T>A on the plus strand (A>T on the coding strand, the complement: MTOR is on the minus strand). VCF-style: chr1-11133197-T-A. GRCh37 (hg19) VCF-style: chr1-11193254-T-A.
Identifiers: ClinVar variation 1017291 (VCV001017291.8), dbSNP rs764759848, ClinGen allele CA589395.